The following is an entry in ClinVar:

ClinVar aggregate classification (germline): Uncertain significance (1 of 4 stars; one submission).

gnomAD v4.1: 11 of 1,611,866 alleles (0.00068%); highest among the groups gnomAD compares: African/African-American, 0.0027%; no homozygotes.

Submission:

Labcorp Genetics (formerly Invitae), Labcorp
Classification: Uncertain significance. Last evaluated: 2025-01-29. Review status: criteria provided, single submitter. Criteria: Invitae Variant Classification Sherloc (09022015). Collection method: clinical testing. Allele origin: germline.
Comment: This sequence change replaces glutamic acid, which is acidic and polar, with lysine, which is basic and polar, at codon 676 of the RUSC2 protein (p.Glu676Lys). This variant is present in population databases (rs747964836, gnomAD 0.003%). This variant has not been reported in the literature in individuals affected with RUSC2-related conditions. An algorithm developed to predict the effect of missense changes on protein structure and function (PolyPhen-2) suggests that this variant¬†is likely to be tolerated. In summary, the available evidence is currently insufficient to determine the role of this variant in disease. Therefore, it has been classified as a Variant of Uncertain Significance.

NM_014806.5(RUSC2):c.2026G>A (p.Glu676Lys)

Gene: RUSC2 (RUN and SH3 domain containing 2; plus strand). Cytogenetic location: 9p13.3.
Variant type: single nucleotide variant.
Coding change: c.2026G>A on transcript NM_014806.5 (MANE Select); coding-DNA position 2026, G replaced by A.
Protein change: p.Glu676Lys; replaces glutamic acid 676 with lysine.
Molecular consequence: missense variant. On other transcripts: 5 prime UTR variant (1), non-coding transcript variant (1).
Genome position (GRCh38, 1-based): chr9:35,555,071, G>A. VCF-style: chr9-35555071-G-A. GRCh37 (hg19) VCF-style: chr9-35555068-G-A.
Other names: c.2026G>A, p.Glu676Lys (NM_001135999.2); c.-609G>A (NM_001330740.2); short protein forms E676K.
Identifiers: ClinVar variation 3608236 (VCV003608236.1).